The following is an entry in ClinVar:

NM_020207.7(ERCC6L2):c.1402T>A (p.Ser468Thr)

Gene: ERCC6L2 (ERCC excision repair 6 like 2; plus strand). Cytogenetic location: 9q22.32.
Variant type: single nucleotide variant.
Coding change: c.1402T>A on transcript NM_020207.7 (MANE Select); coding-DNA position 1402, T replaced by A.
Protein change: p.Ser468Thr; replaces serine 468 with threonine.
Molecular consequence: missense variant. On other transcripts: non-coding transcript variant (1).
Genome position (GRCh38, 1-based): chr9:95,922,407, T>A. VCF-style: chr9-95922407-T-A. GRCh37 (hg19) VCF-style: chr9-98684689-T-A.
Other names: c.1402T>A, p.Ser468Thr (NM_001010895.4, NM_001375291.1, NM_001375292.1 and 2 more transcripts); short protein forms S468T.
Identifiers: ClinVar variation 4618785 (VCV004618785.1).

ClinVar aggregate classification (germline): Uncertain significance (1 of 4 stars; one submission).

Conditions:
Inborn genetic diseases. Identifiers: MedGen C0950123, MeSH D030342.

gnomAD v4.1: 1 of 1,601,110 alleles (0.000062%); highest among the groups gnomAD compares: Non-Finnish European, 0.000086%; no homozygotes.

Submission:

Ambry Genetics
Classification: Uncertain significance for Inborn genetic diseases. Last evaluated: 2025-12-10. Review status: criteria provided, single submitter. Criteria: Ambry Variant Classification Scheme 2023. Collection method: clinical testing. Allele origin: germline.
Comment: The p.S468T variant (also known as c.1402T>A), located in coding exon 8 of the ERCC6L2 gene, results from a T to A substitution at nucleotide position 1402. The serine at codon 468 is replaced by threonine, an amino acid with similar properties. This amino acid position is conserved. In addition, this alteration is predicted to be tolerated by in silico analysis. Based on the available evidence, the clinical significance of this variant remains unclear.